The following is an entry in ClinVar:

NM_001267550.2(TTN):c.62077_62080del (p.Asp20693fs)

Genes: TTN (titin; minus strand), TTN-AS1 (TTN antisense RNA 1; plus strand). Cytogenetic location: 2q31.2.
Variant type: Deletion.
Coding change: c.62077_62080del on transcript NM_001267550.2 (MANE Select); coding-DNA positions 62077 to 62080, 4 bases deleted (GACT; older notation c.62077_62080delGACT).
Protein change: p.Asp20693fs; shifts the reading frame from aspartic acid 20693.
Molecular consequence: frameshift variant.
Genome position (GRCh38, 1-based): chr2:178,589,645-178,589,648, AGTC deleted on the plus strand (GACT on the coding strand, the reverse complement: TTN is on the minus strand); deleting any 4 consecutive bases within chr2:178,589,645-178,589,650 gives the same sequence; the c. name uses the placement nearest the transcript's 3' end. VCF-style (leftmost placement, unchanged base first): chr2-178589644-TAGTC-T. GRCh37 (hg19) VCF-style: chr2-179454371-TAGTC-T.
Other names: c.34882_34885delGACT (NM_003319.4); c.57154_57157del, p.Asp19052fs (NM_001256850.1); c.34882_34885del, p.Asp11628fs (NM_003319.4); c.54373_54376del, p.Asp18125fs (NM_133378.4); c.35257_35260del, p.Asp11753fs (NM_133432.3); c.35458_35461del, p.Asp11820fs (NM_133437.4); short protein forms D11628fs, D11753fs, D18125fs, D20693fs, D11820fs, D19052fs.
Identifiers: ClinVar variation 4615384 (VCV004615384.1).

ClinVar aggregate classification (germline): Likely pathogenic (1 of 4 stars; one submission).

Conditions:
Cardiovascular phenotype. Identifiers: MedGen CN230736.

Submission:

Ambry Genetics
Classification: Likely pathogenic for Cardiovascular phenotype. Last evaluated: 2025-10-27. Review status: criteria provided, single submitter. Criteria: Ambry Variant Classification Scheme 2023. Collection method: clinical testing. Allele origin: germline.
Comment: The c.34882_34885delGACT (p.D11628Mfs*62) alteration, located in exon 132 (coding exon 131) of the TTN gene, consists of a deletion of 4 nucleotides from position 34882 to 34885, causing a translational frameshift with a predicted alternate stop codon after 62 amino acids. This alteration is expected to result in loss of function by premature protein truncation or nonsense-mediated mRNA decay. This variant was not reported in population-based cohorts in the Genome Aggregation Database (gnomAD). This exon is located in the A-band region of the N2-B isoform of the titin protein and is constitutively expressed in TTN transcripts (percent spliced in or PSI 100%). This variant is expected to result in loss of function by premature protein truncation or nonsense-mediated mRNA decay. While truncating variants in TTN are present in 1-3% of the general population, truncating variants in the A-band are the most common cause of dilated cardiomyopathy (Herman, 2012; Roberts, 2015). TTN truncating variants encoded in constitutive exons (PSI >90%) have been found to be significantly associated with DCM regardless of their position in titin (Schafer, 2017; Akhtar, 2020; Massier, 2025). Based on the available evidence, this alteration is classified as likely pathogenic.

Literature cited by the submitters: PubMed 22335739; PubMed 25589632; PubMed 27869827; PubMed 32964742; PubMed 39844436.